The following is an entry in ClinVar:

ClinVar aggregate classification (germline): Likely benign (1 of 4 stars; one submission).

Allele frequency attached by ClinVar (database versions not stated): TOPMed below 0.00001.
gnomAD v4.1: 21 of 1,613,056 alleles (0.0013%); highest among the groups gnomAD compares: Non-Finnish European, 0.0017%; no homozygotes.

Submission:

CeGaT Center for Human Genetics Tuebingen
Classification: Likely benign. Last evaluated: 2022-05-01. Review status: criteria provided, single submitter. Criteria: CeGaT Center For Human Genetics Tuebingen Variant Classification Criteria Version 2. Collection method: clinical testing. Allele origin: germline. Affected: yes. Observed: 1 variant allele.
Comment: KDM5B: BP4, BP7

NM_006618.5(KDM5B):c.3945G>A (p.Leu1315=)

Gene: KDM5B (lysine demethylase 5B; minus strand). Cytogenetic location: 1q32.1.
Variant type: single nucleotide variant.
Coding change: c.3945G>A on transcript NM_006618.5 (MANE Select); coding-DNA position 3945, G replaced by A.
Protein change: p.Leu1315=; no amino-acid change (leucine 1315 retained).
Molecular consequence: synonymous variant.
Genome position (GRCh38, 1-based): chr1:202,731,904, C>T on the plus strand (G>A on the coding strand, the complement: KDM5B is on the minus strand). VCF-style: chr1-202731904-C-T. GRCh37 (hg19) VCF-style: chr1-202701032-C-T.
Other names: c.4053G>A, p.Leu1351= (NM_001314042.2); c.3810G>A, p.Leu1270= (NM_001347591.2); c.3930G>A, p.Leu1310= (NM_001399817.1).
Identifiers: ClinVar variation 2639792 (VCV002639792.24), dbSNP rs1297267799, ClinGen allele CA422584248.